The following is an entry in ClinVar:

ClinVar aggregate classification (germline): Pathogenic (1 of 4 stars; one submission).

Submission:

Labcorp Genetics (formerly Invitae), Labcorp
Classification: Pathogenic. Last evaluated: 2022-03-28. Review status: criteria provided, single submitter. Criteria: Invitae Variant Classification Sherloc (09022015). Collection method: clinical testing. Allele origin: germline.
Comment: For these reasons, this variant has been classified as Pathogenic. This variant is also known as Y113X. This premature translational stop signal has been observed in individual(s) with nail-patella syndrome (PMID: 10571942). This variant is not present in population databases (gnomAD no frequency). This sequence change creates a premature translational stop signal (p.Tyr136*) in the LMX1B gene. It is expected to result in an absent or disrupted protein product. Loss-of-function variants in LMX1B are known to be pathogenic (PMID: 9590287, 15498463).

Literature cited by the submitters: PubMed 10571942; PubMed 9590287; PubMed 15498463.

NM_001174147.2(LMX1B):c.408C>G (p.Tyr136Ter)

Gene: LMX1B (LIM homeobox transcription factor 1 beta; plus strand). Cytogenetic location: 9q33.3.
Variant type: single nucleotide variant.
Coding change: c.408C>G on transcript NM_001174147.2 (MANE Select); coding-DNA position 408, C replaced by G.
Protein change: p.Tyr136Ter; replaces tyrosine 136 with a stop codon.
Molecular consequence: nonsense.
Genome position (GRCh38, 1-based): chr9:126,690,917, C>G. VCF-style: chr9-126690917-C-G. GRCh37 (hg19) VCF-style: chr9-129453196-C-G.
Other names: c.408C>G, p.Tyr136Ter (NM_001174146.2, NM_002316.4); short protein forms Y136*.
Identifiers: ClinVar variation 2136809 (VCV002136809.4), dbSNP rs2490682549, ClinGen allele CA374912331.